The following is an entry in ClinVar:

ClinVar aggregate classification (germline): Likely benign. Review status: criteria provided, multiple submitters, no conflicts (2 of 4 stars). 2 submissions from 2 submitters: Likely benign (2). Last evaluated 2025-04-30.

Conditions:
Hereditary spastic paraplegia 28. Also called: Spastic paraplegia 28, autosomal recessive. Identifiers: Orphanet 101008, MedGen C1836295, MONDO:0012256, OMIM 609340.

Allele frequency attached by ClinVar (database versions not stated): gnomAD 0.00001; TOPMed 0.00001; gnomAD exomes below 0.00001.
gnomAD v4.1: 5 of 1,613,816 alleles (0.00031%); highest among the groups gnomAD compares: Non-Finnish European, 0.00034%; no homozygotes.

Submissions (2):

Mayo Clinic Laboratories, Mayo Clinic
Classification: Likely benign. Last evaluated: 2025-04-30. Review status: criteria provided, single submitter. Criteria: ACMG Guidelines, 2015. Collection method: clinical testing. Allele origin: germline. Observed: 1 variant allele.
Comment: BP4, BP7

Labcorp Genetics (formerly Invitae), Labcorp
Classification: Likely benign for Hereditary spastic paraplegia 28. Last evaluated: 2024-11-26. Review status: criteria provided, single submitter. Criteria: Invitae Variant Classification Sherloc (09022015). Collection method: clinical testing. Allele origin: germline.

NM_001160148.2(DDHD1):c.2604T>C (p.Thr868=)

Gene: DDHD1 (DDHD domain containing 1; minus strand). Cytogenetic location: 14q22.1.
Variant type: single nucleotide variant.
Coding change: c.2604T>C on transcript NM_001160148.2 (MANE Select); coding-DNA position 2604, T replaced by C.
Protein change: p.Thr868=; no amino-acid change (threonine 868 retained).
Molecular consequence: synonymous variant.
Genome position (GRCh38, 1-based): chr14:53,046,867, A>G on the plus strand (T>C on the coding strand, the complement: DDHD1 is on the minus strand). VCF-style: chr14-53046867-A-G. GRCh37 (hg19) VCF-style: chr14-53513585-A-G.
Other names: p.Thr847=; c.2541T>C, p.Thr847= (NM_001160147.2); c.2520T>C, p.Thr840= (NM_030637.3).
Identifiers: ClinVar variation 1097951 (VCV001097951.10), dbSNP rs1339243582, ClinGen allele CA486427097.
Genomic context (GRCh38, chr14:53,046,867, plus strand): 5'-CTCATGTTTATACATGAAGGTTAAAAGAAAAAGGGCAACATCCAAGGATGACCAATAGGC[A>G]GTATGCGACGTGACAGCTGACCAATAGCGGCTCTCCACAAGGCCTTCTCTGAGTTCAAAA-3'
Protein context (NP_001153620.1, residues 858-878): SRYWSAVTSH[Thr868=]AYWSSLDVAL